The following is an entry in ClinVar:

ClinVar aggregate classification (germline): Pathogenic (1 of 4 stars; one submission).

Conditions:
Myopathy, tubular aggregate, 2 (TAM2). Identifiers: MedGen C4014557, MONDO:0014383, OMIM 615883.
Combined immunodeficiency due to ORAI1 deficiency. Also called: IMMUNODEFICIENCY 9. Identifiers: Orphanet 169090, Orphanet 317428, MedGen C2748568, MONDO:0013007, OMIM 612782.

Submission:

Labcorp Genetics (formerly Invitae), Labcorp
Classification: Pathogenic for Myopathy, tubular aggregate, 2; Combined immunodeficiency due to ORAI1 deficiency. Last evaluated: 2022-12-23. Review status: criteria provided, single submitter. Criteria: Invitae Variant Classification Sherloc (09022015). Collection method: clinical testing. Allele origin: germline.
Comment: For these reasons, this variant has been classified as Pathogenic. This variant disrupts a region of the ORAI1 protein in which other variant(s) (p.Ile251Tyrfs*13) have been determined to be pathogenic (Invitae). This suggests that this is a clinically significant region of the protein, and that variants that disrupt it are likely to be disease-causing. This variant disrupts the STIM1 binding domain of the ORAI1 protein, which regulates calcium influx (PMID: 26138675, 23447534, 23613525). While functional studies have not been performed to directly test the effect of this variant on ORAI1 protein function, this suggests that disruption of this region of the protein is causative of disease. This variant has not been reported in the literature in individuals affected with ORAI1-related conditions. This variant is not present in population databases (gnomAD no frequency). This sequence change creates a premature translational stop signal (p.Ser70Hisfs*17) in the ORAI1 gene. While this is not anticipated to result in nonsense mediated decay, it is expected to disrupt the last 232 amino acid(s) of the ORAI1 protein.

Literature cited by the submitters: PubMed 26138675; PubMed 23447534; PubMed 23613525.

NM_032790.4(ORAI1):c.208_209del (p.Ser70fs)

Genes: ORAI1 (ORAI calcium release-activated calcium modulator 1; plus strand), LOC130008987 (ATAC-STARR-seq lymphoblastoid silent region 4981; plus strand). Cytogenetic location: 12q24.31.
Variant type: Deletion.
Coding change: c.208_209del on transcript NM_032790.4 (MANE Select); coding-DNA positions 208 to 209, 2 bases deleted (TC; older notation c.208_209delTC).
Protein change: p.Ser70fs; shifts the reading frame from serine 70.
Molecular consequence: frameshift variant. On other transcripts: non-coding transcript variant (1).
Genome position (GRCh38, 1-based): chr12:121,626,955-121,626,956, TC deleted; deleting any 2 consecutive bases within chr12:121,626,954-121,626,956 gives the same sequence; the c. name uses the placement nearest the transcript's 3' end. VCF-style (leftmost placement, unchanged base first): chr12-121626953-ACT-A. GRCh37 (hg19) VCF-style: chr12-122064859-ACT-A.
Other names: short protein forms S70fs.
Identifiers: ClinVar variation 2930250 (VCV002930250.3), dbSNP rs1892793686, ClinGen allele CA2067977486.
Genomic context (GRCh38, chr12:121,626,953, plus strand): 5'-CCGTCACCTACCCGGACTGGATCGGCCAGAGTTACTCCGAGGTGATGAGCCTCAACGAGC[ACT>A]CCATGCAGGCGCTGTCCTGGCGCAAGCTCTACTTGAGCCGCGCCAAGCTTAAAGCCTCCA-3'